The following is an entry in ClinVar:

ClinVar aggregate classification (germline): Uncertain significance (1 of 4 stars; one submission).

Submission:

GeneDx
Classification: Uncertain significance. Last evaluated: 2020-01-02. Review status: criteria provided, single submitter. Criteria: GeneDx Variant Classification Process June 2021. Collection method: clinical testing. Allele origin: germline. Affected: yes.
Comment: Not observed in large population cohorts (Lek et al., 2016); In silico analysis, which includes protein predictors and evolutionary conservation, supports a deleterious effect; Has not been previously published as pathogenic or benign to our knowledge

NM_001323289.2(CDKL5):c.178G>A (p.Glu60Lys)

Gene: CDKL5 (cyclin dependent kinase like 5; plus strand). Cytogenetic location: Xp22.13.
Variant type: single nucleotide variant.
Coding change: c.178G>A on transcript NM_001323289.2 (MANE Select); coding-DNA position 178, G replaced by A.
Protein change: p.Glu60Lys; replaces glutamic acid 60 with lysine.
Molecular consequence: missense variant.
Genome position (GRCh38, 1-based): chrX:18,575,386, G>A. VCF-style: chrX-18575386-G-A. GRCh37 (hg19) VCF-style: chrX-18593506-G-A.
Other names: c.178G>A, p.Glu60Lys (NM_001037343.2, NM_003159.3); short protein forms E60K.
Identifiers: ClinVar variation 1311816 (VCV001311816.2), dbSNP rs1925262394, ClinGen allele CA412348586.